The following is an entry in ClinVar:

ClinVar aggregate classification (germline): Likely benign (1 of 4 stars; one submission).

Allele frequency attached by ClinVar (database versions not stated): ExAC 0.00094; gnomAD 0.00102; 1000 Genomes Project 30x 0.00500.

Submission:

CeGaT Center for Human Genetics Tuebingen
Classification: Likely benign. Last evaluated: 2026-01-01. Review status: criteria provided, single submitter. Criteria: CeGaT Center For Human Genetics Tuebingen Variant Classification Criteria Version 2. Collection method: clinical testing. Allele origin: germline. Affected: yes. Observed: 2 variant alleles.
Comment: MUC5B: BP4, BP7

NM_002458.3(MUC5B):c.8193C>T (p.Ser2731=)

Genes: MUC5B (mucin 5B, oligomeric mucus/gel-forming; plus strand), MUC5B-AS1 (MUC5B antisense RNA 1; minus strand). Cytogenetic location: 11p15.5.
Variant type: single nucleotide variant.
Coding change: c.8193C>T on transcript NM_002458.3 (MANE Select); coding-DNA position 8193, C replaced by T.
Protein change: p.Ser2731=; no amino-acid change (serine 2731 retained).
Molecular consequence: synonymous variant.
Genome position (GRCh38, 1-based): chr11:1,245,073, C>T. VCF-style: chr11-1245073-C-T. GRCh37 (hg19) VCF-style: chr11-1266303-C-T.
Identifiers: ClinVar variation 2641238 (VCV002641238.24), dbSNP rs770379868, ClinGen allele CA5806577.